The following is an entry in ClinVar:

NM_000292.3(PHKA2):c.2203T>G (p.Ser735Ala)

Gene: PHKA2 (phosphorylase kinase regulatory subunit alpha 2; minus strand). Cytogenetic location: Xp22.13.
Variant type: single nucleotide variant.
Coding change: c.2203T>G on transcript NM_000292.3 (MANE Select); coding-DNA position 2203, T replaced by G.
Protein change: p.Ser735Ala; replaces serine 735 with alanine.
Molecular consequence: missense variant.
Genome position (GRCh38, 1-based): chrX:18,910,895, A>C on the plus strand (T>G on the coding strand, the complement: PHKA2 is on the minus strand). VCF-style: chrX-18910895-A-C. GRCh37 (hg19) VCF-style: chrX-18929013-A-C.
Other names: c.2203T>G (NM_000292.2); short protein forms S735A.
Identifiers: ClinVar variation 1360542 (VCV001360542.10), dbSNP rs199904295, ClinGen allele CA10361698.

ClinVar aggregate classification (germline): Conflicting classifications of pathogenicity. Review status: criteria provided, conflicting classifications (1 of 4 stars). 2 submissions from 2 submitters: Uncertain significance (1); Likely benign (1). Last evaluated 2025-06-12.

Conditions:
Inborn genetic diseases. Identifiers: MedGen C0950123, MeSH D030342.
Glycogen storage disease IXa1. Also called: GLYCOGEN STORAGE DISEASE VIII; GSD VIII; Glycogen storage disease 8; LIVER GLYCOGENOSIS, X-LINKED, TYPE I. Identifiers: Orphanet 264580, MedGen C3694531, MONDO:0010598, OMIM 306000.

Allele frequency attached by ClinVar (database versions not stated): gnomAD exomes 0.00001 and 0.00003; gnomAD 0.00004; ExAC 0.00006; TOPMed 0.00006; ESP Exome Variant Server 0.00019.
gnomAD v4.1: 13 of 1,189,215 alleles (0.0011%); highest among the groups gnomAD compares: African/African-American, 0.018%; no homozygotes.

Submissions (2):

Labcorp Genetics (formerly Invitae), Labcorp
Classification: Uncertain significance for Glycogen storage disease IXa1. Last evaluated: 2025-06-12. Review status: criteria provided, single submitter. Criteria: Invitae Variant Classification Sherloc (09022015). Collection method: clinical testing. Allele origin: germline.
Comment: This sequence change replaces serine, which is neutral and polar, with alanine, which is neutral and non-polar, at codon 735 of the PHKA2 protein (p.Ser735Ala). This variant is present in population databases (rs199904295, gnomAD 0.03%). This variant has not been reported in the literature in individuals affected with PHKA2-related conditions. ClinVar contains an entry for this variant (Variation ID: 1360542). Invitae Evidence Modeling of protein sequence and biophysical properties (such as structural, functional, and spatial information, amino acid conservation, physicochemical variation, residue mobility, and thermodynamic stability) indicates that this missense variant is not expected to disrupt PHKA2 protein function with a negative predictive value of 80%. In summary, the available evidence is currently insufficient to determine the role of this variant in disease. Therefore, it has been classified as a Variant of Uncertain Significance.

Ambry Genetics
Classification: Likely benign for Inborn genetic diseases. Last evaluated: 2024-12-04. Review status: criteria provided, single submitter. Criteria: Ambry Variant Classification Scheme 2023. Collection method: clinical testing. Allele origin: germline.